The following is an entry in ClinVar:

NM_001655.5(ARCN1):c.352G>A (p.Ala118Thr)

Gene: ARCN1 (archain 1 coat protein complex I subunit delta; plus strand). Cytogenetic location: 11q23.3.
Variant type: single nucleotide variant.
Coding change: c.352G>A on transcript NM_001655.5 (MANE Select); coding-DNA position 352, G replaced by A.
Protein change: p.Ala118Thr; replaces alanine 118 with threonine.
Molecular consequence: missense variant.
Genome position (GRCh38, 1-based): chr11:118,583,263, G>A. VCF-style: chr11-118583263-G-A. GRCh37 (hg19) VCF-style: chr11-118453978-G-A.
Other names: c.88G>A, p.Ala30Thr (NM_001142281.2); short protein forms A30T, A118T.
Identifiers: ClinVar variation 1913369 (VCV001913369.5), dbSNP rs148666200, ClinGen allele CA6306050.

ClinVar aggregate classification (germline): Uncertain significance (1 of 4 stars; one submission).

Allele frequency attached by ClinVar (database versions not stated): gnomAD exomes below 0.00001; ExAC 0.00001; gnomAD 0.00001; TOPMed 0.00001; ESP Exome Variant Server 0.00008.
gnomAD v4.1: 9 of 1,613,988 alleles (0.00056%); highest among the groups gnomAD compares: Admixed American, 0.0017%; no homozygotes.

Submission:

Labcorp Genetics (formerly Invitae), Labcorp
Classification: Uncertain significance. Last evaluated: 2022-05-28. Review status: criteria provided, single submitter. Criteria: Invitae Variant Classification Sherloc (09022015). Collection method: clinical testing. Allele origin: germline.
Comment: In summary, the available evidence is currently insufficient to determine the role of this variant in disease. Therefore, it has been classified as a Variant of Uncertain Significance. Algorithms developed to predict the effect of missense changes on protein structure and function are either unavailable or do not agree on the potential impact of this missense change (SIFT: "Tolerated"; PolyPhen-2: "Possibly Damaging"; Align-GVGD: "Class C0"). This variant has not been reported in the literature in individuals affected with ARCN1-related conditions. This variant is present in population databases (rs148666200, gnomAD 0.007%). This sequence change replaces alanine, which is neutral and non-polar, with threonine, which is neutral and polar, at codon 118 of the ARCN1 protein (p.Ala118Thr).